The following is an entry in ClinVar:

NC_000004.11:g.(?_2061053)_(2062890_2065486)del

Gene: NAT8L (N-acetyltransferase 8 like; plus strand). Cytogenetic location: 4p16.3.
Variant type: Deletion.
Identifiers: ClinVar variation 3068834 (VCV003068834.1).

ClinVar aggregate classification (germline): Uncertain significance (1 of 4 stars; one submission).

Submission:

Women's Health and Genetics/Laboratory Corporation of America, LabCorp
Classification: Uncertain significance. Last evaluated: 2024-02-19. Review status: criteria provided, single submitter. Criteria: LabCorp Variant Classification Summary - May 2015. Collection method: clinical testing. Allele origin: germline.
Comment: Variant summary: The variant involves the deletion of exons 1-2 in the NAT8L gene. A presumed nomenclature of c.(?_-186)_(541+1_542-1)del has been designated for the purposes of this classification. The exact breakpoint at the 5' end of this variant is unknown, therefore this deletion may extend upstream of the annotated region of this gene. Although the exact breakpoints of this deletion are not known, it is predicted to remove the initiation codon and result in an absence of protein or a truncation of the encoded protein due to translation initiation at a downstream site. However, current evidence is not sufficient to establish loss-of-function as a molecular mechanism of disease for the gene. The variant was absent in gnomAD, however a larger deletion which encompasses all 3 exons of the gene was found at a frequency of 0.00026 in 108828 control chromosomes (i.e. in 28 heterozygotes) in the gnomAD database (Structural Variants v4.0 dataset). To our knowledge, no occurrence of c.(?_-186)_(541+1_542-1)del in individuals affected with N-Acetylaspartate Deficiency and no experimental evidence demonstrating its impact on protein function have been reported. No submitters have cited clinical-significance assessments for this variant to ClinVar. Based on the evidence outlined above, the variant was classified as uncertain significance.